The following is an entry in ClinVar:

ClinVar aggregate classification (germline): Pathogenic (1 of 4 stars; one submission).

Submission:

GeneDx
Classification: Pathogenic. Last evaluated: 2025-01-17. Review status: criteria provided, single submitter. Criteria: GeneDx Variant Classification Process June 2021. Collection method: clinical testing. Allele origin: germline. Affected: yes.
Comment: De novo variant with confirmed parentage in a proband with a suspected genetic disorder; however, clinical information was not provided (PMID: 37432431); Canonical splice site variant predicted to result in in-frame deletion within a critical region. Variant damages or destroys the canonical splice donor site in intron 41, and is expected to cause abnormal gene splicing; if the splice outcome is exon skip, the loss of the encoded residues in the triple helical region is expected to disrupt normal protein folding and function; Not observed at significant frequency in large population cohorts (gnomAD); This variant is associated with the following publications: (PMID: 37432431)

NM_001845.6(COL4A1):c.3556+1G>C

Gene: COL4A1 (collagen type IV alpha 1 chain; minus strand). Cytogenetic location: 13q34.
Variant type: single nucleotide variant.
Coding change: c.3556+1G>C on transcript NM_001845.6 (MANE Select); the canonical splice donor site of the intron after coding-DNA position 3556, G replaced by C.
Molecular consequence: splice donor variant.
Genome position (GRCh38, 1-based): chr13:110,172,719, C>G on the plus strand (G>C on the coding strand, the complement: COL4A1 is on the minus strand). VCF-style: chr13-110172719-C-G. GRCh37 (hg19) VCF-style: chr13-110825066-C-G.
Identifiers: ClinVar variation 4070634 (VCV004070634.1).
Genomic context (GRCh38, chr13:110,172,719, plus strand): 5'-GTTCTGCTAATCAGGCAGCAGCGGTTGGTTGAAAAGGAAGAGCACAGTGAGCAAAGATTA[C>G]CTTTGTCTCCTTTGGCCCCTGGAAACCCTGGGAATCCTCTTCCTGGTAGACCTATAAGAT-3'